The following is an entry in ClinVar:

ClinVar aggregate classification (germline): Benign (1 of 4 stars; one submission).

gnomAD v4.1: 3,830 of 1,542,578 alleles (0.25%); highest among the groups gnomAD compares: African/African-American, 4.7%; 74 homozygotes.

Submission:

Mayo Clinic Laboratories, Mayo Clinic
Classification: Benign. Last evaluated: 2025-03-05. Review status: criteria provided, single submitter. Criteria: ACMG Guidelines, 2015. Collection method: clinical testing. Allele origin: germline. Observed: 1 variant allele.
Comment: BS1, BS2

NM_002585.4(PBX1):c.-9C>G

Gene: PBX1 (PBX homeobox 1; plus strand). Cytogenetic location: 1q23.3.
Variant type: single nucleotide variant.
Coding change: c.-9C>G on transcript NM_002585.4 (MANE Select); 9 bases upstream of the start codon, C replaced by G.
Molecular consequence: 5 prime UTR variant.
Genome position (GRCh38, 1-based): chr1:164,559,814, C>G. VCF-style: chr1-164559814-C-G. GRCh37 (hg19) VCF-style: chr1-164529051-C-G.
Other names: c.-9C>G (NM_001204961.2, NM_001204963.2, NM_001353131.2); c.-184C>G (NM_001353130.1).
Identifiers: ClinVar variation 4683753 (VCV004683753.1).
Genomic context (GRCh38, chr1:164,559,814, plus strand): 5'-TTGGTGCTTCCCAGGAGCCGAGCCGAGGAGCAGAAGAGGAAGAGCCGGGGGCTGCCGTAG[C>G]CTTTGGAGATGGACGAGCAGCCCAGGCTGATGCATTCCCATGCTGGGGTCGGGATGGCCG-3'